The following is an entry in ClinVar:

ClinVar aggregate classification (germline): Uncertain significance (1 of 4 stars; one submission).

Conditions:
Benign neonatal seizures. Also called: Benign familial neonatal seizures; Benign familial neonatal epilepsy; Convulsions benign familial neonatal dominant form; Autosomal dominant form of benign neonatal seizures; Benign neonatal familial convulsions. Identifiers: Orphanet 1949, MedGen C0220669, MONDO:0016027.

gnomAD v4.1: 1 of 1,614,134 alleles (0.000062%); highest among the groups gnomAD compares: Non-Finnish European, 0.000085%; no homozygotes.

Submission:

Labcorp Genetics (formerly Invitae), Labcorp
Classification: Uncertain significance for Benign neonatal seizures. Last evaluated: 2025-06-07. Review status: criteria provided, single submitter. Criteria: Invitae Variant Classification Sherloc (09022015). Collection method: clinical testing. Allele origin: germline.
Comment: This sequence change replaces phenylalanine, which is neutral and non-polar, with cysteine, which is neutral and slightly polar, at codon 712 of the KCNQ3 protein (p.Phe712Cys). This variant is not present in population databases (gnomAD no frequency). This variant has not been reported in the literature in individuals affected with KCNQ3-related conditions. Invitae Evidence Modeling of protein sequence and biophysical properties (such as structural, functional, and spatial information, amino acid conservation, physicochemical variation, residue mobility, and thermodynamic stability) indicates that this missense variant is not expected to disrupt KCNQ3 protein function with a negative predictive value of 95%. In summary, the available evidence is currently insufficient to determine the role of this variant in disease. Therefore, it has been classified as a Variant of Uncertain Significance.

NM_004519.4(KCNQ3):c.2135T>G (p.Phe712Cys)

Gene: KCNQ3 (potassium voltage-gated channel subfamily Q member 3; minus strand). Cytogenetic location: 8q24.22.
Variant type: single nucleotide variant.
Coding change: c.2135T>G on transcript NM_004519.4 (MANE Select); coding-DNA position 2135, T replaced by G.
Protein change: p.Phe712Cys; replaces phenylalanine 712 with cysteine.
Molecular consequence: missense variant.
Genome position (GRCh38, 1-based): chr8:132,129,746, A>C on the plus strand (T>G on the coding strand, the complement: KCNQ3 is on the minus strand). VCF-style: chr8-132129746-A-C. GRCh37 (hg19) VCF-style: chr8-133141993-A-C.
Other names: c.1775T>G, p.Phe592Cys (NM_001204824.2); short protein forms F592C, F712C.
Identifiers: ClinVar variation 4802764 (VCV004802764.1).